The following is an entry in ClinVar:

NM_000173.7(GP1BA):c.1886C>G (p.Ser629Ter)

Genes: GP1BA (glycoprotein Ib platelet subunit alpha; plus strand), LOC130060044 (ATAC-STARR-seq lymphoblastoid active region 11554; plus strand). Cytogenetic location: 17p13.2.
Variant type: single nucleotide variant.
Coding change: c.1886C>G on transcript NM_000173.7 (MANE Select); coding-DNA position 1886, C replaced by G.
Protein change: p.Ser629Ter; replaces serine 629 with a stop codon.
Molecular consequence: nonsense.
Genome position (GRCh38, 1-based): chr17:4,934,490, C>G. VCF-style: chr17-4934490-C-G. GRCh37 (hg19) VCF-style: chr17-4837785-C-G.
Other names: short protein forms S629*.
Identifiers: ClinVar variation 4795294 (VCV004795294.1).
Genomic context (GRCh38, chr17:4,934,490, plus strand): 5'-TCTTCCTGTGGGTACGGCCTAATGGCCGTGTGGGGCCTCTAGTGGCAGGAAGGAGGCCCT[C>G]AGCTCTGAGTCAGGGTCGTGGTCAGGACCTGCTGAGCACAGTGAGCATTAGGTACTCTGG-3'

ClinVar aggregate classification (germline): Uncertain significance (1 of 4 stars; one submission).

Submission:

GeneDx
Classification: Uncertain significance. Last evaluated: 2025-08-15. Review status: criteria provided, single submitter. Criteria: GeneDx Variant Classification Process June 2021. Collection method: clinical testing. Allele origin: germline. Affected: yes.
Comment: Not observed at significant frequency in large population cohorts (gnomAD); Nonsense variant predicted to result in protein truncation as the last 24 amino acids are lost; Has not been previously published as pathogenic or benign to our knowledge